The following is an entry in ClinVar:

NM_001364905.1(LRBA):c.2674G>A (p.Ala892Thr)

Gene: LRBA (LPS responsive beige-like anchor protein; minus strand). Cytogenetic location: 4q31.3.
Variant type: single nucleotide variant.
Coding change: c.2674G>A on transcript NM_001364905.1 (MANE Select); coding-DNA position 2674, G replaced by A.
Protein change: p.Ala892Thr; replaces alanine 892 with threonine.
Molecular consequence: missense variant.
Genome position (GRCh38, 1-based): chr4:150,867,763, C>T on the plus strand (G>A on the coding strand, the complement: LRBA is on the minus strand). VCF-style: chr4-150867763-C-T. GRCh37 (hg19) VCF-style: chr4-151788915-C-T.
Other names: p.Ala892Thr; c.2674G>A, p.Ala892Thr (NM_001199282.3, NM_001367550.1, NM_006726.5); short protein forms A892T.
Identifiers: ClinVar variation 473172 (VCV000473172.41), dbSNP rs151098394, ClinGen allele CA3103170.
Genomic context (GRCh38, chr4:150,867,763, plus strand): 5'-ATACACGCCAGCCACCCCACTCATATTTGACTGCATGGTAAAGCAGGATTCTGAATATGG[C>T]GTATACCATTTCTGTTATCTTTTGCTCATCTGAATTCTTAGGATTAAAATAGCAGAGAGA-3'
Protein context (NP_001351834.1, residues 882-902): DEQKITEMVY[Ala892Thr]IFRILLYHAV

ClinVar aggregate classification (germline): Conflicting classifications of pathogenicity. Review status: criteria provided, conflicting classifications (1 of 4 stars). 6 submissions from 6 submitters: Uncertain significance (1); Benign (2); Likely benign (3). Last evaluated 2026-08-01.

Conditions:
Combined immunodeficiency due to LRBA deficiency. Also called: Common variable immunodeficiency 8, with autoimmunity. Identifiers: Orphanet 445018, MedGen C3553512, MONDO:0013863, OMIM 614700.

Allele frequency attached by ClinVar (database versions not stated): gnomAD exomes 0.00050 and 0.00119; ExAC 0.00153; gnomAD 0.00436 and 0.00465; 1000 Genomes Project 0.00459; ESP Exome Variant Server 0.00461; TOPMed 0.00492; 1000 Genomes Project 30x 0.00500.
gnomAD v4.1: 1,438 of 1,613,450 alleles (0.089%); highest among the groups gnomAD compares: African/African-American, 1.4%; 8 homozygotes.

Submissions (6):

CeGaT Center for Human Genetics Tuebingen
Classification: Benign. Last evaluated: 2026-08-01. Review status: criteria provided, single submitter. Criteria: CeGaT Center For Human Genetics Tuebingen Variant Classification Criteria Version 2. Collection method: clinical testing. Allele origin: germline. Affected: yes. Observed: 2 variant alleles.
Comment: LRBA: BS1, BS2

Women's Health and Genetics/Laboratory Corporation of America, LabCorp
Classification: Likely benign. Last evaluated: 2026-02-11. Review status: criteria provided, single submitter. Criteria: LabCorp Variant Classification Summary - May 2015. Collection method: clinical testing. Allele origin: germline.
Comment: Variant summary: LRBA c.2674G>A (p.Ala892Thr) results in a non-conservative amino acid change in the encoded protein sequence. Algorithms developed to predict the effect of missense changes on protein structure and function are either unavailable or do not agree on the potential impact of this missense change. The variant allele was found at a frequency of 0.0012 in 251260 control chromosomes, predominantly at a frequency of 0.014 within the African or African-American subpopulation in the gnomAD database, including 1 homozygote. The observed variant frequency within African or African-American control individuals in the gnomAD database exceeds the estimated maximal expected allele frequency for disease-causing variants in LRBA. c.2674G>A has been observed in individual(s) affected with Common Variable Immunodeficiency, without strong evidence for causality (Maffucci_2016, Cunningham-Rundles_2024). These report(s) do not provide unequivocal conclusions about association of the variant with Combined immunodeficiency due to LRBA deficiency. To our knowledge, no experimental evidence demonstrating an impact on protein function has been reported. The following publications have been ascertained in the context of this evaluation (PMID: 38274105, 27379089). ClinVar contains an entry for this variant (Variation ID: 473172). Based on the evidence outlined above, the variant was classified as likely benign.

Labcorp Genetics (formerly Invitae), Labcorp
Classification: Benign for Combined immunodeficiency due to LRBA deficiency. Last evaluated: 2026-02-01. Review status: criteria provided, single submitter. Criteria: Invitae Variant Classification Sherloc (09022015). Collection method: clinical testing. Allele origin: germline.

Mayo Clinic Laboratories, Mayo Clinic
Classification: Likely benign. Last evaluated: 2025-11-26. Review status: criteria provided, single submitter. Criteria: ACMG Guidelines, 2015. Collection method: clinical testing. Allele origin: germline. Observed: 6 variant alleles.
Comment: BS1, BP4

Blueprint Genetics
Classification: Likely benign. Last evaluated: 2024-11-13. Review status: criteria provided, single submitter. Criteria: ACMG Guidelines, 2015. Collection method: clinical testing. Allele origin: germline.

New York Genome Center
Classification: Uncertain significance for Combined immunodeficiency due to LRBA deficiency. Last evaluated: 2021-03-04. Review status: criteria provided, single submitter. Criteria: NYGC Assertion Criteria 2020. Collection method: clinical testing. Allele origin: inherited. Observed: 1 heterozygote. Study: CSER-NYCKidSeq.

Literature cited by the submitters: PubMed 27379089 (cited by Women's Health and Genetics/Laboratory Corporation of America, LabCorp and Mayo Clinic Laboratories, Mayo Clinic); PubMed 38274105 (cited by Women's Health and Genetics/Laboratory Corporation of America, LabCorp).